The following is an entry in ClinVar:

ClinVar aggregate classification (germline): Uncertain significance (1 of 4 stars; one submission).

Conditions:
Rhabdoid tumor predisposition syndrome 2 (RTPS2). Identifiers: Orphanet 231108, Orphanet 69077, MedGen C2750074, MONDO:0013224, OMIM 613325.

Submission:

Labcorp Genetics (formerly Invitae), Labcorp
Classification: Uncertain significance for Rhabdoid tumor predisposition syndrome 2. Last evaluated: 2025-09-27. Review status: criteria provided, single submitter. Criteria: Invitae Variant Classification Sherloc (09022015). Collection method: clinical testing. Allele origin: germline.
Comment: This sequence change replaces glutamic acid, which is acidic and polar, with glutamine, which is neutral and polar, at codon 431 of the SMARCA4 protein (p.Glu431Gln). This variant is not present in population databases (gnomAD no frequency). This variant has not been reported in the literature in individuals affected with SMARCA4-related conditions. Invitae Evidence Modeling of protein sequence and biophysical properties (such as structural, functional, and spatial information, amino acid conservation, physicochemical variation, residue mobility, and thermodynamic stability) has been performed for this missense variant. However, the output from this modeling did not meet the statistical confidence thresholds required to predict the impact of this variant on SMARCA4 protein function. In summary, the available evidence is currently insufficient to determine the role of this variant in disease. Therefore, it has been classified as a Variant of Uncertain Significance.

NM_003072.5(SMARCA4):c.1291G>C (p.Glu431Gln)

Gene: SMARCA4 (SWI/SNF related BAF chromatin remodeling complex subunit ATPase 4; plus strand). Cytogenetic location: 19p13.2.
Variant type: single nucleotide variant.
Coding change: c.1291G>C on transcript NM_003072.5 (MANE Select); coding-DNA position 1291, G replaced by C.
Protein change: p.Glu431Gln; replaces glutamic acid 431 with glutamine.
Molecular consequence: missense variant. On other transcripts: non-coding transcript variant (1).
Genome position (GRCh38, 1-based): chr19:10,991,195, G>C. VCF-style: chr19-10991195-G-C. GRCh37 (hg19) VCF-style: chr19-11101871-G-C.
Other names: c.1291G>C, p.Glu431Gln (NM_001128844.3, NM_001128845.2, NM_001128846.2 and 6 more transcripts); short protein forms E431Q.
Identifiers: ClinVar variation 4802551 (VCV004802551.1).